The following is an entry in ClinVar:

ClinVar aggregate classification (germline): Uncertain significance (1 of 4 stars; one submission).

gnomAD v4.1: 1 of 1,614,202 alleles (0.000062%); highest among the groups gnomAD compares: Non-Finnish European, 0.000085%; no homozygotes.

Submission:

Dasa
Classification: Uncertain significance. Last evaluated: 2024-10-24. Review status: criteria provided, single submitter. Criteria: DASA Assertion Criteria. Collection method: clinical testing. Allele origin: germline.
Comment: NM_001112741.2(KCNC1):c.1448C>T (p.Thr483Ile) is a missense variant that results in the substitution of threonine with isoleucine. This variant is rare in population databases. The currently available literature and clinical evidence are not sufficient to establish a definitive association between this variant and the reported condition. Therefore, this variant is classified as a variant of uncertain significance.

NM_001112741.2(KCNC1):c.1448C>T (p.Thr483Ile)

Gene: KCNC1 (potassium voltage-gated channel subfamily C member 1; plus strand). Cytogenetic location: 11p15.1.
Variant type: single nucleotide variant.
Coding change: c.1448C>T on transcript NM_001112741.2 (MANE Select); coding-DNA position 1448, C replaced by T.
Protein change: p.Thr483Ile; replaces threonine 483 with isoleucine.
Molecular consequence: missense variant.
Genome position (GRCh38, 1-based): chr11:17,772,542, C>T. VCF-style: chr11-17772542-C-T. GRCh37 (hg19) VCF-style: chr11-17794089-C-T.
Other names: c.1448C>T, p.Thr483Ile (NM_004976.4); short protein forms T483I.
Identifiers: ClinVar variation 4885655 (VCV004885655.2).
Genomic context (GRCh38, chr11:17,772,542, plus strand): 5'-CACCGCAGCTGGGATCTCCCAATTATTGTAAATCTGTCGTAAACTCTCCACACCACAGTA[C>T]TCAGAGTGACACATGTCCGCTGGCCCAGGAAGAAATTTTAGAAATTAACAGAGCAGGTAG-3'
Protein context (NP_001106212.1, residues 473-493): KSVVNSPHHS[Thr483Ile]QSDTCPLAQE